The following is an entry in ClinVar:

ClinVar aggregate classification (germline): Pathogenic. Review status: reviewed by expert panel (3 of 4 stars). 2 submissions from 2 submitters: Pathogenic (1). 1 of the submissions does not count toward it. Last evaluated 2013-09-05.

Conditions:
Mismatch repair cancer syndrome 4. Identifiers: MedGen C5436817, MONDO:0030843, OMIM 619101.
Lynch syndrome. Identifiers: Orphanet 144, MedGen C4552100, MONDO:0005835. Disease mechanism: loss of function.

Submissions (2):

International Society for Gastrointestinal Hereditary Tumours (InSiGHT)
Classification: Pathogenic for Lynch Syndrome. Last evaluated: 2013-09-05. Review status: reviewed by expert panel. Criteria: Guidelines v1.9. Collection method: research. Allele origin: germline.
Comment: Coding sequence variation resulting in a stop codon

Classified with v1.9 guidelines

OMIM
Classification: Pathogenic for MISMATCH REPAIR CANCER SYNDROME 4. Last evaluated: 2001-01-01. Review status: no assertion criteria provided. Collection method: literature only. Allele origin: germline. Not counted in ClinVar's aggregate classification.

Literature cited by the submitters: PubMed 14574005 (cited by OMIM).

NM_000535.6(PMS2):c.1169_1170ins20 (p.?)

Gene: PMS2 (PMS1 homolog 2, mismatch repair system component; minus strand). Cytogenetic location: 7p22.1.
Variant type: Insertion.
Coding change: c.1169_1170ins20 on transcript NM_000535.6; coding-DNA positions 1169 to 1170, an insertion.
Protein change: p.?.
Identifiers: ClinVar variation 91296 (VCV000091296.3).